The following is an entry in ClinVar:

ClinVar aggregate classification (germline): Uncertain significance (1 of 4 stars; one submission).

Conditions:
Charcot-Marie-Tooth disease type 2. Also called: Charcot-Marie-Tooth type 2. Identifiers: Orphanet 64746, MedGen C0270914, MONDO:0018993.

Submission:

Labcorp Genetics (formerly Invitae), Labcorp
Classification: Uncertain significance for Charcot-Marie-Tooth disease type 2. Last evaluated: 2021-12-09. Review status: criteria provided, single submitter. Criteria: Invitae Variant Classification Sherloc (09022015). Collection method: clinical testing. Allele origin: germline.
Comment: In summary, the available evidence is currently insufficient to determine the role of this variant in disease. Therefore, it has been classified as a Variant of Uncertain Significance. Algorithms developed to predict the effect of missense changes on protein structure and function are either unavailable or do not agree on the potential impact of this missense change (SIFT: "Deleterious"; PolyPhen-2: "Probably Damaging"; Align-GVGD: "Class C0"). This variant has not been reported in the literature in individuals affected with AARS-related conditions. This variant is not present in population databases (gnomAD no frequency). This sequence change replaces glutamic acid, which is acidic and polar, with alanine, which is neutral and non-polar, at codon 721 of the AARS protein (p.Glu721Ala).

NM_001605.3(AARS1):c.2162A>C (p.Glu721Ala)

Gene: AARS1 (alanyl-tRNA synthetase 1; minus strand). Cytogenetic location: 16q22.1.
Variant type: single nucleotide variant.
Coding change: c.2162A>C on transcript NM_001605.3 (MANE Select); coding-DNA position 2162, A replaced by C.
Protein change: p.Glu721Ala; replaces glutamic acid 721 with alanine.
Molecular consequence: missense variant.
Genome position (GRCh38, 1-based): chr16:70,258,048, T>G on the plus strand (A>C on the coding strand, the complement: AARS1 is on the minus strand). VCF-style: chr16-70258048-T-G. GRCh37 (hg19) VCF-style: chr16-70291951-T-G.
Other names: short protein forms E721A.
Identifiers: ClinVar variation 2038644 (VCV002038644.4), dbSNP rs2506996065, ClinGen allele CA396557538.